The following is an entry in ClinVar:

NM_004320.6(ATP2A1):c.2774dup (p.Met925fs)

Gene: ATP2A1 (ATPase sarcoplasmic/endoplasmic reticulum Ca2+ transporting 1; plus strand). Cytogenetic location: 16p11.2.
Variant type: Duplication.
Coding change: c.2774dup on transcript NM_004320.6 (MANE Select); coding-DNA position 2774, one base duplicated (T; older notation c.2774dupT).
Protein change: p.Met925fs; shifts the reading frame from methionine 925.
Molecular consequence: frameshift variant.
Genome position (GRCh38, 1-based): chr16:28,903,059, T duplicated. VCF-style (leftmost placement, unchanged base first): chr16-28903058-A-AT. GRCh37 (hg19) VCF-style: chr16-28914379-A-AT.
Other names: c.2399dup, p.Met800fs (NM_001286075.2); c.2774dup, p.Met925fs (NM_173201.5); c.2774dupT (NM_173201.3); short protein forms M800fs, M925fs.
Identifiers: ClinVar variation 96543 (VCV000096543.11), dbSNP rs398124555, ClinGen allele CA224216.

ClinVar aggregate classification (germline): Pathogenic/Likely pathogenic. Review status: criteria provided, multiple submitters, no conflicts (2 of 4 stars). 2 submissions from 2 submitters: Pathogenic (1); Likely pathogenic (1). Last evaluated 2022-07-01.

Allele frequency attached by ClinVar (database versions not stated): gnomAD exomes below 0.00001; TOPMed below 0.00001; gnomAD 0.00001.

Submissions (2):

GeneDx
Classification: Likely pathogenic. Last evaluated: 2022-07-01. Review status: criteria provided, single submitter. Criteria: GeneDx Variant Classification Process June 2021. Collection method: clinical testing. Allele origin: germline. Affected: yes.
Comment: Frameshift variant predicted to result in protein truncation or nonsense mediated decay in a gene for which loss of function is a known mechanism of disease; Not observed at significant frequency in large population cohorts (gnomAD); Has not been previously published as pathogenic or benign to our knowledge; This variant is associated with the following publications: (PMID: 23757202)

Eurofins Ntd Llc (ga)
Classification: Pathogenic. Last evaluated: 2014-04-02. Review status: criteria provided, single submitter. Criteria: EGL Classification Definitions. Collection method: clinical testing. Allele origin: germline. Observed: 1 variant allele, 1 heterozygote.

Literature cited by the submitters: PubMed 23757202 (cited by Eurofins Ntd Llc (ga)).